The following is an entry in ClinVar:

ClinVar aggregate classification (germline): Uncertain significance (1 of 4 stars; one submission).

Conditions:
Hereditary cancer-predisposing syndrome. Also called: Neoplastic Syndromes, Hereditary; Tumor predisposition; Hereditary neoplastic syndrome; Hereditary Cancer Syndrome. Identifiers: Orphanet 140162, MedGen C0027672, MeSH D009386, MONDO:0015356.

Submission:

Ambry Genetics
Classification: Uncertain significance for Hereditary cancer-predisposing syndrome. Last evaluated: 2026-08-01. Review status: criteria provided, single submitter. Criteria: Ambry Variant Classification Scheme 2023. Collection method: clinical testing. Allele origin: germline.
Comment: The p.V71A variant (also known as c.212T>C), located in coding exon 3 of the SDHD gene, results from a T to C substitution at nucleotide position 212. The valine at codon 71 is replaced by alanine, an amino acid with similar properties. This amino acid position is conserved. In addition, the in silico prediction for this alteration is inconclusive. Based on the available evidence, the clinical significance of this variant remains unclear.

NM_003002.4(SDHD):c.212T>C (p.Val71Ala)

Gene: SDHD (succinate dehydrogenase complex subunit D; plus strand). Cytogenetic location: 11q23.1.
Variant type: single nucleotide variant.
Coding change: c.212T>C on transcript NM_003002.4 (MANE Select); coding-DNA position 212, T replaced by C.
Protein change: p.Val71Ala; replaces valine 71 with alanine.
Molecular consequence: missense variant. On other transcripts: non-coding transcript variant (1), intron variant (1).
Genome position (GRCh38, 1-based): chr11:112,088,909, T>C. VCF-style: chr11-112088909-T-C. GRCh37 (hg19) VCF-style: chr11-111959633-T-C.
Other names: c.95T>C, p.Val32Ala (NM_001276504.2); c.212T>C, p.Val71Ala (NM_001276506.2); c.169+936T>C (NM_001276503.2); short protein forms V32A, V71A.
Identifiers: ClinVar variation 5029378 (VCV005029378.1).